The following is an entry in ClinVar:

NM_000612.6(IGF2):c.357G>A (p.Trp119Ter)

Genes: IGF2 (insulin like growth factor 2; minus strand), INS-IGF2 (INS-IGF2 readthrough; minus strand). Cytogenetic location: 11p15.5.
Variant type: single nucleotide variant.
Coding change: c.357G>A on transcript NM_000612.6 (MANE Select); coding-DNA position 357, G replaced by A.
Protein change: p.Trp119Ter; replaces tryptophan 119 with a stop codon.
Molecular consequence: nonsense. On other transcripts: non-coding transcript variant (1).
Genome position (GRCh38, 1-based): chr11:2,133,173, C>T on the plus strand (G>A on the coding strand, the complement: IGF2 is on the minus strand). VCF-style: chr11-2133173-C-T. GRCh37 (hg19) VCF-style: chr11-2154403-C-T.
Other names: c.357G>A, p.Trp119Ter (NM_001007139.6, NM_001291861.3, NM_001291862.3); c.525G>A, p.Trp175Ter (NM_001127598.3); short protein forms W119*, W175*.
Identifiers: ClinVar variation 2502356 (VCV002502356.1), dbSNP rs2495572126, ClinGen allele CA379113301.
Genomic context (GRCh38, chr11:2,133,173, plus strand): 5'-ACCCCGGCGGGCACGCAGGAGGGCAGGCAGGCCCCTGCGCAGGCGCTGGGTGGACTGCTT[C>T]CAGGTGTCATATTGGAAGAACTTGCCCACGGGGTATCTGGGGAAGTTGTCCTGGGAGGGG-3'

ClinVar aggregate classification (germline): Likely pathogenic (1 of 4 stars; one submission).

Conditions:
Silver-Russell syndrome 3 (SRS3). Also called: Growth restriction, severe, with distinctive facies. Identifiers: MedGen C4225307, MONDO:0014663, OMIM 616489.

Allele frequency attached by ClinVar (database versions not stated): gnomAD exomes below 0.00001.
gnomAD v4.1: 1 of 1,586,976 alleles (0.000063%); highest among the groups gnomAD compares: Non-Finnish European, 0.000086%; no homozygotes.

Submission:

Institute of Human Genetics, University of Leipzig Medical Center
Classification: Likely pathogenic for Silver-Russell syndrome 3. Last evaluated: 2023-04-03. Review status: criteria provided, single submitter. Criteria: ACMG Guidelines, 2015. Collection method: clinical testing. Allele origin: unknown. Affected: yes.
Comment: _x000D_ Criteria applied: PVS1, PM2_SUP